The following is an entry in ClinVar:

NM_004006.3(DMD):c.4894A>T (p.Thr1632Ser)

Gene: DMD (dystrophin; minus strand). Cytogenetic location: Xp21.1.
Variant type: single nucleotide variant.
Coding change: c.4894A>T on transcript NM_004006.3 (MANE Select); coding-DNA position 4894, A replaced by T.
Protein change: p.Thr1632Ser; replaces threonine 1632 with serine.
Molecular consequence: missense variant.
Genome position (GRCh38, 1-based): chrX:32,365,151, T>A on the plus strand (A>T on the coding strand, the complement: DMD is on the minus strand). VCF-style: chrX-32365151-T-A. GRCh37 (hg19) VCF-style: chrX-32383268-T-A.
Other names: c.4870A>T, p.Thr1624Ser (NM_000109.4); c.4882A>T, p.Thr1628Ser (NM_004009.3); c.4525A>T, p.Thr1509Ser (NM_004010.3); c.871A>T, p.Thr291Ser (NM_004011.4); c.862A>T, p.Thr288Ser (NM_004012.4); short protein forms T1628S, T1509S, T1624S, T291S, T1632S, T288S.
Identifiers: ClinVar variation 3634824 (VCV003634824.2).

ClinVar aggregate classification (germline): Uncertain significance (1 of 4 stars; one submission).

Conditions:
Duchenne muscular dystrophy (DMD). Also called: MUSCULAR DYSTROPHY, PSEUDOHYPERTROPHIC PROGRESSIVE, DUCHENNE TYPE; Duchenne Muscular Dystrophy (DMD). Identifiers: Orphanet 98896, MedGen C0013264, MONDO:0010679, OMIM 310200.

Submission:

Labcorp Genetics (formerly Invitae), Labcorp
Classification: Uncertain significance for Duchenne muscular dystrophy. Last evaluated: 2024-05-29. Review status: criteria provided, single submitter. Criteria: Invitae Variant Classification Sherloc (09022015). Collection method: clinical testing. Allele origin: germline.
Comment: This sequence change replaces threonine, which is neutral and polar, with serine, which is neutral and polar, at codon 1632 of the DMD protein (p.Thr1632Ser). This variant is not present in population databases (gnomAD no frequency). This variant has not been reported in the literature in individuals affected with DMD-related conditions. Advanced modeling of protein sequence and biophysical properties (such as structural, functional, and spatial information, amino acid conservation, physicochemical variation, residue mobility, and thermodynamic stability) performed at Invitae indicates that this missense variant is not expected to disrupt DMD protein function with a negative predictive value of 95%. In summary, the available evidence is currently insufficient to determine the role of this variant in disease. Therefore, it has been classified as a Variant of Uncertain Significance.